The following is an entry in ClinVar:

NM_001005242.3(PKP2):c.1828A>C (p.Lys610Gln)

Gene: PKP2 (plakophilin 2; minus strand). Cytogenetic location: 12p11.21.
Variant type: single nucleotide variant.
Coding change: c.1828A>C on transcript NM_001005242.3 (MANE Select); coding-DNA position 1828, A replaced by C.
Protein change: p.Lys610Gln; replaces lysine 610 with glutamine.
Molecular consequence: missense variant. On other transcripts: intron variant (1).
Genome position (GRCh38, 1-based): chr12:32,822,478, T>G on the plus strand (A>C on the coding strand, the complement: PKP2 is on the minus strand). VCF-style: chr12-32822478-T-G. GRCh37 (hg19) VCF-style: chr12-32975412-T-G.
Other names: c.1828A>C, p.Lys610Gln (NM_001407155.1, NM_001407161.1); c.1960A>C, p.Lys654Gln (NM_001407157.1, NM_004572.4); c.1501A>C, p.Lys501Gln (NM_001407158.1, NM_001407159.1, NM_001407160.1 and 1 more transcripts); c.1675-949A>C (NM_001407156.1); short protein forms K501Q, K610Q, K654Q.
Identifiers: ClinVar variation 4687940 (VCV004687940.1), dbSNP rs1319690519.

ClinVar aggregate classification (germline): Uncertain significance (1 of 4 stars; one submission).

Conditions:
Arrhythmogenic right ventricular dysplasia 9 (ARVD9). Also called: ARRHYTHMOGENIC RIGHT VENTRICULAR DYSPLASIA, FAMILIAL, 9; Arrhythmogenic Right Ventricular Dysplasia/Cardiomyopathy 9. Identifiers: MedGen C1836906, MONDO:0012180, OMIM 609040.

Submission:

Human Genetics Bochum, Ruhr University Bochum
Classification: Uncertain significance for Arrhythmogenic right ventricular dysplasia 9. Last evaluated: 2025-08-05. Review status: criteria provided, single submitter. Criteria: ACMG Guidelines, 2015. Collection method: clinical testing. Allele origin: germline. Affected: yes.
Comment: ACMG criteria used to clasify this variant: PM1, PP3_MOD, PM2_SUP